The following is an entry in ClinVar:

ClinVar aggregate classification (germline): Uncertain significance. Review status: criteria provided, multiple submitters, no conflicts (2 of 4 stars). 3 submissions from 3 submitters: Uncertain significance (3). Last evaluated 2026-02-01.

Allele frequency attached by ClinVar (database versions not stated): gnomAD 0.00001.
gnomAD v4.1: 52 of 1,614,000 alleles (0.0032%); highest among the groups gnomAD compares: Non-Finnish European, 0.0039%; no homozygotes.

Submissions (3):

CeGaT Center for Human Genetics Tuebingen
Classification: Uncertain significance. Last evaluated: 2026-02-01. Review status: criteria provided, single submitter. Criteria: CeGaT Center For Human Genetics Tuebingen Variant Classification Criteria Version 2. Collection method: clinical testing. Allele origin: germline. Affected: yes. Observed: 1 variant allele.
Comment: FAT2: PP2, BP4

Women's Health and Genetics/Laboratory Corporation of America, LabCorp
Classification: Uncertain significance. Last evaluated: 2024-07-02. Review status: criteria provided, single submitter. Criteria: LabCorp Variant Classification Summary - May 2015. Collection method: clinical testing. Allele origin: germline.
Comment: Variant summary: FAT2 c.6521C>T (p.Pro2174Leu) results in a non-conservative amino acid change located in the Cadherin-like (IPR002126) of the encoded protein sequence. Three of four in-silico tools predict a benign effect of the variant on protein function. The variant allele was found at a frequency of 2e-05 in 251308 control chromosomes. The available data on variant occurrences in the general population are insufficient to allow any conclusion about variant significance. To our knowledge, no occurrence of c.6521C>T in individuals affected with Spinocerebellar Ataxia 45 and no experimental evidence demonstrating its impact on protein function have been reported. ClinVar contains an entry for this variant (Variation ID: 1904810). Based on the evidence outlined above, the variant was classified as uncertain significance.

Labcorp Genetics (formerly Invitae), Labcorp
Classification: Uncertain significance. Last evaluated: 2023-09-11. Review status: criteria provided, single submitter. Criteria: Invitae Variant Classification Sherloc (09022015). Collection method: clinical testing. Allele origin: germline.
Comment: This sequence change replaces proline, which is neutral and non-polar, with leucine, which is neutral and non-polar, at codon 2174 of the FAT2 protein (p.Pro2174Leu). This variant is present in population databases (rs762665440, gnomAD 0.007%). This variant has not been reported in the literature in individuals affected with FAT2-related conditions. ClinVar contains an entry for this variant (Variation ID: 1904810). Advanced modeling of protein sequence and biophysical properties (such as structural, functional, and spatial information, amino acid conservation, physicochemical variation, residue mobility, and thermodynamic stability) performed at Invitae indicates that this missense variant is not expected to disrupt FAT2 protein function. In summary, the available evidence is currently insufficient to determine the role of this variant in disease. Therefore, it has been classified as a Variant of Uncertain Significance.

NM_001447.3(FAT2):c.6521C>T (p.Pro2174Leu)

Genes: FAT2 (FAT atypical cadherin 2; minus strand), SLC36A1 (solute carrier family 36 member 1; plus strand). Cytogenetic location: 5q33.1.
Variant type: single nucleotide variant.
Coding change: c.6521C>T on transcript NM_001447.3 (MANE Select); coding-DNA position 6521, C replaced by T.
Protein change: p.Pro2174Leu; replaces proline 2174 with leucine.
Molecular consequence: missense variant.
Genome position (GRCh38, 1-based): chr5:151,544,606, G>A on the plus strand (C>T on the coding strand, the complement: FAT2 is on the minus strand). VCF-style: chr5-151544606-G-A. GRCh37 (hg19) VCF-style: chr5-150924167-G-A.
Other names: short protein forms P2174L.
Identifiers: ClinVar variation 1904810 (VCV001904810.10), dbSNP rs762665440, ClinGen allele CA3521096.